The following is an entry in ClinVar:

NM_182641.4(BPTF):c.1473T>G (p.Ile491Met)

Gene: BPTF (bromodomain PHD finger transcription factor; plus strand). Cytogenetic location: 17q24.2.
Variant type: single nucleotide variant.
Coding change: c.1473T>G on transcript NM_182641.4 (MANE Select); coding-DNA position 1473, T replaced by G.
Protein change: p.Ile491Met; replaces isoleucine 491 with methionine.
Molecular consequence: missense variant.
Genome position (GRCh38, 1-based): chr17:67,866,500, T>G. VCF-style: chr17-67866500-T-G. GRCh37 (hg19) VCF-style: chr17-65862616-T-G.
Other names: c.1473T>G, p.Ile491Met (NM_004459.7); short protein forms I491M.
Identifiers: ClinVar variation 3361113 (VCV003361113.1).

ClinVar aggregate classification (germline): Uncertain significance (1 of 4 stars; one submission).

gnomAD v4.1: 4 of 1,613,472 alleles (0.00025%); highest among the groups gnomAD compares: Non-Finnish European, 0.00034%; no homozygotes.

Submission:

GeneDx
Classification: Uncertain significance. Last evaluated: 2023-07-18. Review status: criteria provided, single submitter. Criteria: GeneDx Variant Classification Process June 2021. Collection method: clinical testing. Allele origin: germline. Affected: yes.
Comment: Not observed at significant frequency in large population cohorts (gnomAD); In silico analysis supports that this missense variant does not alter protein structure/function; Has not been previously published as pathogenic or benign to our knowledge